The following is an entry in ClinVar:

NM_000834.5(GRIN2B):c.3652T>A (p.Cys1218Ser)

Gene: GRIN2B (glutamate ionotropic receptor NMDA type subunit 2B; minus strand). Cytogenetic location: 12p13.1.
Variant type: single nucleotide variant.
Coding change: c.3652T>A on transcript NM_000834.5 (MANE Select); coding-DNA position 3652, T replaced by A.
Protein change: p.Cys1218Ser; replaces cysteine 1218 with serine.
Molecular consequence: missense variant.
Genome position (GRCh38, 1-based): chr12:13,563,586, A>T on the plus strand (T>A on the coding strand, the complement: GRIN2B is on the minus strand). VCF-style: chr12-13563586-A-T. GRCh37 (hg19) VCF-style: chr12-13716520-A-T.
Other names: short protein forms C1218S.
Identifiers: ClinVar variation 986115 (VCV000986115.9), dbSNP rs1948583113, ClinGen allele CA383987935.

ClinVar aggregate classification (germline): Uncertain significance. Review status: criteria provided, multiple submitters, no conflicts (2 of 4 stars). 2 submissions from 2 submitters: Uncertain significance (2). Last evaluated 2023-10-16.

Conditions:
Inborn genetic diseases. Identifiers: MedGen C0950123, MeSH D030342.
Intellectual developmental disorder, autosomal dominant 6, with or without seizures. Also called: Intellectual disability, autosomal dominant 6; GRIN2B-related developmental delay, intellectual disability and autism spectrum disorder. Identifiers: Orphanet 589547, MedGen C3151411, MONDO:0013509, OMIM 613970.
Developmental and epileptic encephalopathy, 27 (DEE27). Also called: Epileptic encephalopathy, early infantile, 27; GRIN2B-Related Neurodevelopmental Disorder. Identifiers: Orphanet 3451, MedGen C4015316, MONDO:0014505, OMIM 616139.

Allele frequency attached by ClinVar (database versions not stated): gnomAD 0.00001; gnomAD exomes below 0.00001; TOPMed below 0.00001.
gnomAD v4.1: 2 of 1,613,988 alleles (0.00012%); highest among the groups gnomAD compares: African/African-American, 0.0027%; no homozygotes.

Submissions (2):

Labcorp Genetics (formerly Invitae), Labcorp
Classification: Uncertain significance for Developmental and epileptic encephalopathy, 27; Intellectual developmental disorder, autosomal dominant 6, with or without seizures. Last evaluated: 2023-10-16. Review status: criteria provided, single submitter. Criteria: Invitae Variant Classification Sherloc (09022015). Collection method: clinical testing. Allele origin: germline.
Comment: This sequence change replaces cysteine, which is neutral and slightly polar, with serine, which is neutral and polar, at codon 1218 of the GRIN2B protein (p.Cys1218Ser). This variant is not present in population databases (gnomAD no frequency). This variant has not been reported in the literature in individuals affected with GRIN2B-related conditions. ClinVar contains an entry for this variant (Variation ID: 986115). Advanced modeling of protein sequence and biophysical properties (such as structural, functional, and spatial information, amino acid conservation, physicochemical variation, residue mobility, and thermodynamic stability) performed at Invitae indicates that this missense variant is not expected to disrupt GRIN2B protein function. In summary, the available evidence is currently insufficient to determine the role of this variant in disease. Therefore, it has been classified as a Variant of Uncertain Significance.

Ambry Genetics
Classification: Uncertain significance for Inborn genetic diseases. Last evaluated: 2020-06-11. Review status: criteria provided, single submitter. Criteria: Ambry Variant Classification Scheme 2023. Collection method: clinical testing. Allele origin: germline.
Comment: The alteration results in an amino acid change:_x000D_ _x000D_ The c.3652T>A (p.C1218S) alteration is located in exon 13 (coding exon 12) of the GRIN2B gene. This alteration results from a T to A substitution at nucleotide position 3652, causing the cysteine (C) at amino acid position 1218 to be replaced by a serine (S). The alteration is not observed in population databases: _x000D_ _x000D_ Based on data from the Genome Aggregation Database (gnomAD), the GRIN2B c.3652T>A alteration was not observed, with coverage at this position. The altered amino acid is conserved throughout evolution:_x000D_ _x000D_ The p.C1218 amino acid is conserved in available higher vertebrate species, with poor alignment in available fish species. The alteration is predicted inconclusive by in silico modeling:_x000D_ _x000D_ The in silico prediction for the p.C1218S alteration is inconclusive. Based on insufficient or conflicting evidence, the clinical significance of this alteration remains unclear.

Literature cited by the submitters: PubMed 19874789 (cited by Ambry Genetics).